The following is an entry in ClinVar:

ClinVar aggregate classification (germline): Uncertain significance (1 of 4 stars; one submission).

Conditions:
Familial sleep-related hypermotor epilepsy. Also called: Autosomal Dominant Sleep-Related Hypermotor (Hyperkinetic) Epilepsy. Identifiers: Orphanet 98784, MedGen C3696898, MONDO:0000030.

Submission:

Labcorp Genetics (formerly Invitae), Labcorp
Classification: Uncertain significance. Last evaluated: 2022-03-03. Review status: criteria provided, single submitter. Criteria: Invitae Variant Classification Sherloc (09022015). Collection method: clinical testing. Allele origin: germline.
Comment: This sequence change replaces proline, which is neutral and non-polar, with leucine, which is neutral and non-polar, at codon 481 of the CHRNB2 protein (p.Pro481Leu). This variant is not present in population databases (gnomAD no frequency). This variant has not been reported in the literature in individuals affected with CHRNB2-related conditions. ClinVar contains an entry for this variant (Variation ID: 939388). Advanced modeling of protein sequence and biophysical properties (such as structural, functional, and spatial information, amino acid conservation, physicochemical variation, residue mobility, and thermodynamic stability) performed at Invitae indicates that this missense variant is expected to disrupt CHRNB2 protein function. In summary, the available evidence is currently insufficient to determine the role of this variant in disease. Therefore, it has been classified as a Variant of Uncertain Significance.

NM_000748.3(CHRNB2):c.1442C>T (p.Pro481Leu)

Gene: CHRNB2 (cholinergic receptor nicotinic beta 2 subunit; plus strand). Cytogenetic location: 1q21.3.
Variant type: single nucleotide variant.
Coding change: c.1442C>T on transcript NM_000748.3 (MANE Select); coding-DNA position 1442, C replaced by T.
Protein change: p.Pro481Leu; replaces proline 481 with leucine.
Molecular consequence: missense variant.
Genome position (GRCh38, 1-based): chr1:154,575,865, C>T. VCF-style: chr1-154575865-C-T. GRCh37 (hg19) VCF-style: chr1-154548341-C-T.
Other names: short protein forms P481L.
Identifiers: ClinVar variation 939388 (VCV000939388.9), dbSNP rs1696263260, ClinGen allele CA342633110.